The following is an entry in ClinVar:

NM_017802.4(DNAAF5):c.1446C>G (p.Ala482=)

Gene: DNAAF5 (dynein axonemal assembly factor 5; plus strand). Cytogenetic location: 7p22.3.
Variant type: single nucleotide variant.
Coding change: c.1446C>G on transcript NM_017802.4 (MANE Select); coding-DNA position 1446, C replaced by G.
Protein change: p.Ala482=; no amino-acid change (alanine 482 retained).
Molecular consequence: synonymous variant. On other transcripts: non-coding transcript variant (1).
Genome position (GRCh38, 1-based): chr7:756,970, C>G. VCF-style: chr7-756970-C-G. GRCh37 (hg19) VCF-style: chr7-796607-C-G.
Identifiers: ClinVar variation 1166937 (VCV001166937.14), dbSNP rs571248637, ClinGen allele CA4110729.
Genomic context (GRCh38, chr7:756,970, plus strand): 5'-TTGCCCCCGAGAAGCCCTCCAGCCGCACCTGGCAGCCATCGCCACAGAGCTGGCACAGGC[C>G]CACATCTGCCAGGCATCTGAAAACGTAAGAGCACTTGGGAGATGCGGGAGTGGAGAGGAG-3'
Protein context (NP_060272.3, residues 472-492): LAAIATELAQ[Ala482=]HICQASENDL

ClinVar aggregate classification (germline): Benign/Likely benign. Review status: criteria provided, multiple submitters, no conflicts (2 of 4 stars). 4 submissions from 4 submitters: Benign (2); Likely benign (1). 1 of the submissions does not count toward it. Last evaluated 2026-01-25.

Conditions:
DNAAF5-related disorder. Also called: DNAAF5-related condition.
Primary ciliary dyskinesia. Also called: Ciliary dyskinesia. Identifiers: Orphanet 244, MedGen C0008780, MONDO:0016575, HP:0012265.

Allele frequency attached by ClinVar (database versions not stated): gnomAD 0.00002 and 0.00016; TOPMed 0.00003; 1000 Genomes Project 0.00020; gnomAD exomes 0.00025 and 0.00047; 1000 Genomes Project 30x 0.00031; ExAC 0.00056.
gnomAD v4.1: 383 of 1,605,076 alleles (0.024%); highest among the groups gnomAD compares: South Asian, 0.37%; 5 homozygotes.

Submissions (4):

Labcorp Genetics (formerly Invitae), Labcorp
Classification: Benign for Primary ciliary dyskinesia. Last evaluated: 2026-01-25. Review status: criteria provided, single submitter. Criteria: Invitae Variant Classification Sherloc (09022015). Collection method: clinical testing. Allele origin: germline.

Blueprint Genetics
Classification: Likely benign. Last evaluated: 2024-08-30. Review status: criteria provided, single submitter. Criteria: ACMG Guidelines, 2015. Collection method: clinical testing. Allele origin: germline.

Ambry Genetics
Classification: Benign for Primary ciliary dyskinesia. Last evaluated: 2017-12-20. Review status: criteria provided, single submitter. Criteria: Ambry Variant Classification Scheme 2023. Collection method: clinical testing. Allele origin: germline.

PreventionGenetics, part of Exact Sciences
Classification: Likely benign for DNAAF5-related condition. Last evaluated: 2019-08-29. Review status: no assertion criteria provided. Collection method: clinical testing. Allele origin: germline. Not counted in ClinVar's aggregate classification.
Comment: This variant is classified as likely benign based on ACMG/AMP sequence variant interpretation guidelines (Richards et al. 2015 PMID: 25741868, with internal and published modifications).